The following is an entry in ClinVar:

NM_025137.4(SPG11):c.2491G>A (p.Asp831Asn)

Gene: SPG11 (SPG11 vesicle trafficking associated, spatacsin; minus strand). Cytogenetic location: 15q21.1.
Variant type: single nucleotide variant.
Coding change: c.2491G>A on transcript NM_025137.4 (MANE Select); coding-DNA position 2491, G replaced by A.
Protein change: p.Asp831Asn; replaces aspartic acid 831 with asparagine.
Molecular consequence: missense variant.
Genome position (GRCh38, 1-based): chr15:44,621,888, C>T on the plus strand (G>A on the coding strand, the complement: SPG11 is on the minus strand). VCF-style: chr15-44621888-C-T. GRCh37 (hg19) VCF-style: chr15-44914086-C-T.
Other names: c.2491G>A, p.Asp831Asn (NM_001160227.2, NM_001411132.1); short protein forms D831N.
Identifiers: ClinVar variation 3691949 (VCV003691949.2).

ClinVar aggregate classification (germline): Uncertain significance (1 of 4 stars; one submission).

Conditions:
Hereditary spastic paraplegia 11. Also called: Spastic paraplegia, mental retardation and thin corpus callosum; SPASTIC PARAPLEGIA, AUTOSOMAL RECESSIVE, COMPLICATED, WITH THIN CORPUS CALLOSUM; SPASTIC PARAPLEGIA, AUTOSOMAL RECESSIVE, WITH MENTAL IMPAIRMENT AND THIN CORPUS CALLOSUM; Spastic Paraplegia 11; Nakamura Osame syndrome; Autosomal recessive hereditary spastic paraplegia, mental impairment, and thin corpus callosum. Identifiers: Orphanet 2822, MedGen C1858479, MONDO:0011445, OMIM 604360.

Submission:

Labcorp Genetics (formerly Invitae), Labcorp
Classification: Uncertain significance for Hereditary spastic paraplegia 11. Last evaluated: 2024-09-24. Review status: criteria provided, single submitter. Criteria: Invitae Variant Classification Sherloc (09022015). Collection method: clinical testing. Allele origin: germline.
Comment: This sequence change replaces aspartic acid, which is acidic and polar, with asparagine, which is neutral and polar, at codon 831 of the SPG11 protein (p.Asp831Asn). This variant is not present in population databases (gnomAD no frequency). This variant has not been reported in the literature in individuals affected with SPG11-related conditions. Invitae Evidence Modeling of protein sequence and biophysical properties (such as structural, functional, and spatial information, amino acid conservation, physicochemical variation, residue mobility, and thermodynamic stability) indicates that this missense variant is not expected to disrupt SPG11 protein function with a negative predictive value of 80%. In summary, the available evidence is currently insufficient to determine the role of this variant in disease. Therefore, it has been classified as a Variant of Uncertain Significance.